The following is an entry in ClinVar:

ClinVar aggregate classification (germline): Likely benign (1 of 4 stars; one submission).

Conditions:
HBA1-related disorder. Also called: HBA1-related condition.

Submission:

PreventionGenetics, part of Exact Sciences
Classification: Likely benign for HBA1-related condition. Last evaluated: 2025-08-04. Review status: criteria provided, single submitter. Criteria: ACMG Guidelines, 2015. Collection method: clinical testing. Allele origin: germline.
Comment: This variant is classified as likely benign based on ACMG/AMP sequence variant interpretation guidelines (Richards et al. 2015 PMID: 25741868, with internal and published modifications).

NM_000558.5(HBA1):c.294C>T (p.Asn98=)

Genes: HBA1 (hemoglobin subunit alpha 1; plus strand), LOC106804613 (hemoglobin subunit alpha 1 recombination region; plus strand). Cytogenetic location: 16p13.3.
Variant type: single nucleotide variant.
Coding change: c.294C>T on transcript NM_000558.5 (MANE Select); coding-DNA position 294, C replaced by T.
Protein change: p.Asn98=; no amino-acid change (asparagine 98 retained).
Molecular consequence: synonymous variant.
Genome position (GRCh38, 1-based): chr16:177,127, C>T. VCF-style: chr16-177127-C-T. GRCh37 (hg19) VCF-style: chr16-227126-C-T.
Identifiers: ClinVar variation 4997420 (VCV004997420.1).
Genomic context (GRCh38, chr16:177,127, plus strand): 5'-CAACGCGCTGTCCGCCCTGAGCGACCTGCACGCGCACAAGCTTCGGGTGGACCCGGTCAA[C>T]TTCAAGGTGAGCGGCGGGCCGGGAGCGATCTGGGTCGAGGGGCGAGATGGCGCCTTCCTC-3'
Protein context (NP_000549.1, residues 88-108): HAHKLRVDPV[Asn98=]FKLLSHCLLV